The following is an entry in ClinVar:

NM_000059.4(BRCA2):c.-40+15T>C

Genes: BRCA2 (BRCA2 DNA repair associated; plus strand), LOC106721785 (BRCA2 promoter/silencer region; plus strand). Cytogenetic location: 13q13.1.
Variant type: single nucleotide variant.
Coding change: c.-40+15T>C on transcript NM_000059.4 (MANE Select); 15 bases into the intron after 40 bases upstream of the start codon, T replaced by C.
Molecular consequence: intron variant.
Genome position (GRCh38, 1-based): chr13:32,315,682, T>C. VCF-style: chr13-32315682-T-C. GRCh37 (hg19) VCF-style: chr13-32889819-T-C.
Other names: c.-40+15T>C (NM_001406720.1, NM_001406719.1, NM_001406721.1); c.-303+15T>C (NM_001406722.1).
Identifiers: ClinVar variation 2748055 (VCV002748055.3), dbSNP rs1593879863, ClinGen allele CA2622597097.

ClinVar aggregate classification (germline): Uncertain significance (1 of 4 stars; one submission).

Conditions:
Hereditary breast ovarian cancer syndrome. Also called: BRCA1- and BRCA2-Associated Hereditary Breast and Ovarian Cancer; Breast and ovarian cancer; Hereditary breast and/or ovarian cancer syndrome; Hereditary breast and ovarian cancer; Hereditary breast and ovarian cancer syndrome (HBOC); Hereditary breast and ovarian cancer syndrome. Identifiers: Orphanet 145, MedGen C0677776, MeSH D061325, MONDO:0003582. Disease mechanism: loss of function.

Submission:

Labcorp Genetics (formerly Invitae), Labcorp
Classification: Uncertain significance for Hereditary breast ovarian cancer syndrome. Last evaluated: 2025-09-14. Review status: criteria provided, single submitter. Criteria: Invitae Variant Classification Sherloc (09022015). Collection method: clinical testing. Allele origin: germline.
Comment: This variant occurs in a non-coding region of the BRCA2 gene. It does not change the encoded amino acid sequence of the BRCA2 protein. This variant is not present in population databases (gnomAD no frequency). This variant has not been reported in the literature in individuals affected with BRCA2-related conditions. ClinVar contains an entry for this variant (Variation ID: 2748055). Algorithms developed to predict the effect of sequence changes on RNA splicing suggest that this variant is not likely to affect RNA splicing. In summary, the available evidence is currently insufficient to determine the role of this variant in disease. Therefore, it has been classified as a Variant of Uncertain Significance.